The following is an entry in ClinVar:

NM_006244.4(PPP2R5B):c.1280C>G (p.Thr427Ser)

Gene: PPP2R5B (protein phosphatase 2 regulatory subunit B'beta; plus strand). Cytogenetic location: 11q13.1.
Variant type: single nucleotide variant.
Coding change: c.1280C>G on transcript NM_006244.4 (MANE Select); coding-DNA position 1280, C replaced by G.
Protein change: p.Thr427Ser; replaces threonine 427 with serine.
Molecular consequence: missense variant.
Genome position (GRCh38, 1-based): chr11:64,933,180, C>G. VCF-style: chr11-64933180-C-G. GRCh37 (hg19) VCF-style: chr11-64700652-C-G.
Other names: short protein forms T427S.
Identifiers: ClinVar variation 2049882 (VCV002049882.4), dbSNP rs369675898, ClinGen allele CA6087064.

ClinVar aggregate classification (germline): Uncertain significance (1 of 4 stars; one submission).

Allele frequency attached by ClinVar (database versions not stated): gnomAD 0.00005; TOPMed 0.00007; ESP Exome Variant Server 0.00008.
gnomAD v4.1: 208 of 1,613,226 alleles (0.013%); highest among the groups gnomAD compares: Non-Finnish European, 0.017%; no homozygotes.

Submission:

Labcorp Genetics (formerly Invitae), Labcorp
Classification: Uncertain significance. Last evaluated: 2025-04-12. Review status: criteria provided, single submitter. Criteria: Invitae Variant Classification Sherloc (09022015). Collection method: clinical testing. Allele origin: germline.
Comment: This sequence change replaces threonine, which is neutral and polar, with serine, which is neutral and polar, at codon 427 of the PPP2R5B protein (p.Thr427Ser). This variant is present in population databases (rs369675898, gnomAD 0.02%). This variant has not been reported in the literature in individuals affected with PPP2R5B-related conditions. ClinVar contains an entry for this variant (Variation ID: 2049882). Invitae Evidence Modeling of protein sequence and biophysical properties (such as structural, functional, and spatial information, amino acid conservation, physicochemical variation, residue mobility, and thermodynamic stability) indicates that this missense variant is not expected to disrupt PPP2R5B protein function with a negative predictive value of 80%. In summary, the available evidence is currently insufficient to determine the role of this variant in disease. Therefore, it has been classified as a Variant of Uncertain Significance.